The following is an entry in ClinVar:

ClinVar aggregate classification (germline): Likely benign (1 of 4 stars; one submission).

Conditions:
DNAH8-related disorder. Also called: DNAH8-related condition.

Submission:

PreventionGenetics, part of Exact Sciences
Classification: Likely benign for DNAH8-related condition. Last evaluated: 2026-05-10. Review status: criteria provided, single submitter. Criteria: ACMG Guidelines, 2015. Collection method: clinical testing. Allele origin: germline.
Comment: This variant is classified as likely benign based on ACMG/AMP sequence variant interpretation guidelines (Richards et al. 2015 PMID: 25741868, with internal and published modifications).

NM_001206927.2(DNAH8):c.3847+8A>T

Gene: DNAH8 (dynein axonemal heavy chain 8; plus strand). Cytogenetic location: 6p21.2.
Variant type: single nucleotide variant.
Coding change: c.3847+8A>T on transcript NM_001206927.2 (MANE Select); 8 bases into the intron after coding-DNA position 3847, A replaced by T.
Molecular consequence: intron variant.
Genome position (GRCh38, 1-based): chr6:38,823,696, A>T. VCF-style: chr6-38823696-A-T. GRCh37 (hg19) VCF-style: chr6-38791472-A-T.
Other names: c.3196+8A>T (NM_001371.4).
Identifiers: ClinVar variation 4990421 (VCV004990421.1).